The following is an entry in ClinVar:

NM_001286577.2(C2CD3):c.4431G>A (p.Arg1477=)

Gene: C2CD3 (C2 domain containing 3 centriole elongation regulator; minus strand). Cytogenetic location: 11q13.4.
Variant type: single nucleotide variant.
Coding change: c.4431G>A on transcript NM_001286577.2 (MANE Select); coding-DNA position 4431, G replaced by A.
Protein change: p.Arg1477=; no amino-acid change (arginine 1477 retained).
Molecular consequence: synonymous variant.
Genome position (GRCh38, 1-based): chr11:74,078,287, C>T on the plus strand (G>A on the coding strand, the complement: C2CD3 is on the minus strand). VCF-style: chr11-74078287-C-T. GRCh37 (hg19) VCF-style: chr11-73789332-C-T.
Other names: c.4431G>A, p.Arg1477= (NM_015531.6); c.4431G>A (NM_015531.5).
Identifiers: ClinVar variation 1599219 (VCV001599219.10), dbSNP rs75137555, ClinGen allele CA6182142.

ClinVar aggregate classification (germline): Benign. Review status: criteria provided, multiple submitters, no conflicts (2 of 4 stars). 3 submissions from 3 submitters: Benign (2). 1 of the submissions does not count toward it. Last evaluated 2026-02-02.

Conditions:
C2CD3-related disorder. Also called: C2CD3-related condition.

Allele frequency attached by ClinVar (database versions not stated): 1000 Genomes Project 0.01478; 1000 Genomes Project 30x 0.01405; ESP Exome Variant Server 0.02279.
gnomAD v4.1: 21,492 of 1,614,110 alleles (1.3%); highest among the groups gnomAD compares: African/African-American, 4.8%; 236 homozygotes.

Submissions (3):

Labcorp Genetics (formerly Invitae), Labcorp
Classification: Benign. Last evaluated: 2026-02-02. Review status: criteria provided, single submitter. Criteria: Invitae Variant Classification Sherloc (09022015). Collection method: clinical testing. Allele origin: germline.

Breakthrough Genomics
Classification: Benign. Review status: criteria provided, single submitter. Criteria: ACMG Guidelines, 2015. Collection method: not provided. Allele origin: germline. Inheritance: Autosomal recessive inheritance. Affected: yes.

PreventionGenetics, part of Exact Sciences
Classification: Benign for C2CD3-related condition. Last evaluated: 2019-08-05. Review status: no assertion criteria provided. Collection method: clinical testing. Allele origin: germline. Not counted in ClinVar's aggregate classification.
Comment: This variant is classified as benign based on ACMG/AMP sequence variant interpretation guidelines (Richards et al. 2015 PMID: 25741868, with internal and published modifications).